The following is an entry in ClinVar:

NM_001376.5(DYNC1H1):c.9547dup (p.Tyr3183fs)

Gene: DYNC1H1 (dynein cytoplasmic 1 heavy chain 1; plus strand). Cytogenetic location: 14q32.31.
Variant type: Duplication.
Coding change: c.9547dup on transcript NM_001376.5 (MANE Select); coding-DNA position 9547, one base duplicated (T; older notation c.9547dupT).
Protein change: p.Tyr3183fs; shifts the reading frame from tyrosine 3183.
Molecular consequence: frameshift variant.
Genome position (GRCh38, 1-based): chr14:102,029,617, T duplicated. VCF-style (leftmost placement, unchanged base first): chr14-102029616-C-CT. GRCh37 (hg19) VCF-style: chr14-102495953-C-CT.
Other names: short protein forms Y3183fs.
Identifiers: ClinVar variation 1334533 (VCV001334533.4), dbSNP rs2152590132, ClinGen allele CA2573053853.
Genomic context (GRCh38, chr14:102,029,616, plus strand): 5'-AAAGCGAGGCGGCAGAACGATGGCCATCACCCCTCGCCACTACCTGGACTTCATCAATCA[C>CT]TATGCCAACCTGTTCCACGAGAAGCGGAGCGAGCTGGAGGAGCAGCAGATGCACTTGAAC-3'

ClinVar aggregate classification (germline): Likely pathogenic (1 of 4 stars; one submission).

Conditions:
Cortical dysplasia, complex, with other brain malformations 13. Also called: Intellectual disability, autosomal dominant 13. Identifiers: MedGen C3281202, MONDO:0013805, OMIM 614563.
Autosomal dominant childhood-onset proximal spinal muscular atrophy without contractures. Also called: KUGELBERG-WELANDER SYNDROME, AUTOSOMAL DOMINANT; SPINAL MUSCULAR ATROPHY, JUVENILE, PROXIMAL, AUTOSOMAL DOMINANT; Spinal muscular atrophy, lower extremity-predominant 1, AD; SPINAL MUSCULAR ATROPHY, CHILDHOOD, PROXIMAL, AUTOSOMAL DOMINANT. Identifiers: Orphanet 209341, Orphanet 363447, MedGen C5780022, MONDO:0008026, OMIM 158600.
Charcot-Marie-Tooth disease axonal type 2O. Also called: CHARCOT-MARIE-TOOTH NEUROPATHY, AXONAL, TYPE 2O; CHARCOT-MARIE-TOOTH DISEASE, AXONAL, AUTOSOMAL DOMINANT, TYPE 2O; Charcot-Marie-Tooth Neuropathy Type 2O; Charcot-Marie-Tooth disease, axonal, type 20. Identifiers: Orphanet 284232, MedGen C3280220, MONDO:0013644, OMIM 614228.

Submission:

Greenwood Genetic Center Diagnostic Laboratories, Greenwood Genetic Center
Classification: Likely pathogenic for Charcot-Marie-Tooth disease axonal type 2O; Cortical dysplasia, complex, with other brain malformations 13; Autosomal dominant childhood-onset proximal spinal muscular atrophy without contractures. Last evaluated: 2021-08-10. Review status: criteria provided, single submitter. Criteria: ACMG Guidelines, 2015. Collection method: clinical testing. Allele origin: germline. Affected: yes.
Comment: PVS1, PM2